The following is an entry in ClinVar:

ClinVar aggregate classification (germline): Uncertain significance (1 of 4 stars; one submission).

gnomAD v4.1: 8 of 1,613,170 alleles (0.0005%); highest among the groups gnomAD compares: Non-Finnish European, 0.00059%; no homozygotes.

Submission:

Labcorp Genetics (formerly Invitae), Labcorp
Classification: Uncertain significance. Last evaluated: 2025-11-19. Review status: criteria provided, single submitter. Criteria: Invitae Variant Classification Sherloc (09022015). Collection method: clinical testing. Allele origin: germline.
Comment: This sequence change falls in intron 7 of the P4HB gene. It does not directly change the encoded amino acid sequence of the P4HB protein. It affects a nucleotide within the consensus splice site. This variant is not present in population databases (gnomAD no frequency). This variant has not been reported in the literature in individuals affected with P4HB-related conditions. Variants that disrupt the consensus splice site are a relatively common cause of aberrant splicing (PMID: 17576681, 9536098). Algorithms developed to predict the effect of sequence changes on RNA splicing suggest that this variant is not likely to affect RNA splicing. In summary, the available evidence is currently insufficient to determine the role of this variant in disease. Therefore, it has been classified as a Variant of Uncertain Significance.

Literature cited by the submitters: PubMed 17576681; PubMed 9536098.

NM_000918.4(P4HB):c.1056+6G>A

Gene: P4HB (prolyl 4-hydroxylase subunit beta; minus strand). Cytogenetic location: 17q25.3.
Variant type: single nucleotide variant.
Coding change: c.1056+6G>A on transcript NM_000918.4 (MANE Select); 6 bases into the intron after coding-DNA position 1056, G replaced by A.
Molecular consequence: intron variant.
Genome position (GRCh38, 1-based): chr17:81,846,423, C>T on the plus strand (G>A on the coding strand, the complement: P4HB is on the minus strand). VCF-style: chr17-81846423-C-T. GRCh37 (hg19) VCF-style: chr17-79804299-C-T.
Identifiers: ClinVar variation 4776213 (VCV004776213.1).